The following is an entry in ClinVar:

ClinVar aggregate classification (germline): Uncertain significance. Review status: criteria provided, multiple submitters, no conflicts (2 of 4 stars). 3 submissions from 3 submitters: Uncertain significance (3). Last evaluated 2025-08-13.

Conditions:
Inborn genetic diseases. Identifiers: MedGen C0950123, MeSH D030342.

Allele frequency attached by ClinVar (database versions not stated): TOPMed 0.00002; ExAC 0.00003; ESP Exome Variant Server 0.00008; gnomAD exomes 0.00003 and 0.00004; gnomAD 0.00004.

Submissions (3):

Ambry Genetics
Classification: Uncertain significance for Inborn genetic diseases. Last evaluated: 2025-08-13. Review status: criteria provided, single submitter. Criteria: Ambry Variant Classification Scheme 2023. Collection method: clinical testing. Allele origin: germline.

GeneDx
Classification: Uncertain significance. Last evaluated: 2025-06-23. Review status: criteria provided, single submitter. Criteria: GeneDx Variant Classification Process June 2021. Collection method: clinical testing. Allele origin: germline. Affected: yes.
Comment: In silico analysis suggests that this missense variant does not alter protein structure/function; Has not been previously published as pathogenic or benign to our knowledge

ARUP Laboratories, Molecular Genetics and Genomics, ARUP Laboratories
Classification: Uncertain significance. Last evaluated: 2021-10-21. Review status: criteria provided, single submitter. Criteria: ARUP Molecular Germline Variant Investigation Process 2021. Collection method: clinical testing. Allele origin: germline.
Comment: The WDR35 c.836A>G; p.Gln279Arg variant (rs375814330), to our knowledge, is not reported in the medical literature or gene-specific databases. This variant is found in the non-Finnish European population with an overall allele frequency of 0.01% (10/129172 alleles) in the Genome Aggregation Database. The glutamine at codon 279 is weakly conserved, but computational analyses are uncertain whether this variant is neutral or deleterious (REVEL: 0.195). Given the lack of clinical and functional data, the significance of the p.Gln279Arg variant is uncertain at this time.

NM_020779.4(WDR35):c.836A>G (p.Gln279Arg)

Gene: WDR35 (WD repeat domain 35; minus strand). Cytogenetic location: 2p24.1.
Variant type: single nucleotide variant.
Coding change: c.836A>G on transcript NM_020779.4 (MANE Select); coding-DNA position 836, A replaced by G.
Protein change: p.Gln279Arg; replaces glutamine 279 with arginine.
Molecular consequence: missense variant.
Genome position (GRCh38, 1-based): chr2:19,973,609, T>C on the plus strand (A>G on the coding strand, the complement: WDR35 is on the minus strand). VCF-style: chr2-19973609-T-C. GRCh37 (hg19) VCF-style: chr2-20173370-T-C.
Other names: c.836A>G (NM_001006657.1); c.836A>G, p.Gln279Arg (NM_001006657.2); short protein forms Q279R.
Identifiers: ClinVar variation 1330787 (VCV001330787.9), dbSNP rs375814330, ClinGen allele CA1543425.
Genomic context (GRCh38, chr2:19,973,609, plus strand): 5'-TTGAATGCATTTACCTCACCAAACGGAGTGTAAAACTGCACAATGTTCACATCTTTGTCC[T>C]GCATGGCTGCCTTCTGGAAGCCTGCCACAGCTAACACGCTGCCCATGTGGTTCCACTGGA-3'
Protein context (NP_065830.2, residues 269-289): AVAGFQKAAM[Gln279Arg]DKDVNIVQFY